The following is an entry in ClinVar:

ClinVar aggregate classification (germline): Uncertain significance (1 of 4 stars; one submission).

Conditions:
Cardiovascular phenotype. Identifiers: MedGen CN230736.

Submission:

Ambry Genetics
Classification: Uncertain significance for Cardiovascular phenotype. Last evaluated: 2026-07-01. Review status: criteria provided, single submitter. Criteria: Ambry Variant Classification Scheme 2023. Collection method: clinical testing. Allele origin: germline.
Comment: The p.G11R variant (also known as c.31G>C), located in coding exon 1 of the SNTA1 gene, results from a G to C substitution at nucleotide position 31. The glycine at codon 11 is replaced by arginine, an amino acid with dissimilar properties. This amino acid position is conserved. In addition, this alteration is predicted to be tolerated by in silico analysis. Based on the available evidence, the clinical significance of this variant remains unclear.

NM_003098.3(SNTA1):c.31G>C (p.Gly11Arg)

Genes: SNTA1 (syntrophin alpha 1; minus strand), LOC130065680 (ATAC-STARR-seq lymphoblastoid silent region 12812; plus strand). Cytogenetic location: 20q11.21.
Variant type: single nucleotide variant.
Coding change: c.31G>C on transcript NM_003098.3 (MANE Select); coding-DNA position 31, G replaced by C.
Protein change: p.Gly11Arg; replaces glycine 11 with arginine.
Molecular consequence: missense variant.
Genome position (GRCh38, 1-based): chr20:33,443,590, C>G on the plus strand (G>C on the coding strand, the complement: SNTA1 is on the minus strand). VCF-style: chr20-33443590-C-G. GRCh37 (hg19) VCF-style: chr20-32031396-C-G.
Other names: c.31G>C, p.Gly11Arg (NM_001424413.1, NM_001424414.1); short protein forms G11R.
Identifiers: ClinVar variation 5029997 (VCV005029997.1).